The following is an entry in ClinVar:

ClinVar aggregate classification (germline): Uncertain significance (1 of 4 stars; one submission).

Conditions:
TBL1XR1-related disorder. Also called: TBL1XR1-related condition; TBL1XR1-related disorders. Identifiers: MedGen CN382633, MONDO:1060313.

Submission:

3billion
Classification: Uncertain significance for TBL1XR1-related disorder. Last evaluated: 2024-07-05. Review status: criteria provided, single submitter. Criteria: ACMG Guidelines, 2015. Collection method: clinical testing. Allele origin: germline. Affected: yes.
Comment: The variant is not observed in the gnomAD v4.0.0 dataset. Predicted Consequence/Location: Missense changes are a common disease-causing mechanism. In silico tool predictions suggest damaging effect of the variant on gene or gene product [REVEL: 0.39 (>=0.6, sensitivity 0.68 and specificity 0.92); 3Cnet: 0.61 (>=0.6, sensitivity 0.72 and precision 0.9)]. Therefore, this variant is classified as VUS according to the recommendation of ACMG/AMP guideline.

NM_024665.7(TBL1XR1):c.674A>G (p.Asn225Ser)

Gene: TBL1XR1 (TBL1X/Y related 1; minus strand). Cytogenetic location: 3q26.32.
Variant type: single nucleotide variant.
Coding change: c.674A>G on transcript NM_024665.7 (MANE Select); coding-DNA position 674, A replaced by G.
Protein change: p.Asn225Ser; replaces asparagine 225 with serine.
Molecular consequence: missense variant.
Genome position (GRCh38, 1-based): chr3:177,050,025, T>C on the plus strand (A>G on the coding strand, the complement: TBL1XR1 is on the minus strand). VCF-style: chr3-177050025-T-C. GRCh37 (hg19) VCF-style: chr3-176767813-T-C.
Other names: c.674A>G, p.Asn225Ser (NM_001321193.3, NM_001321194.3, NM_001374327.1 and 2 more transcripts); c.413A>G, p.Asn138Ser (NM_001321195.3, NM_001374330.1); short protein forms N138S, N225S.
Identifiers: ClinVar variation 4293214 (VCV004293214.1).